The following is an entry in ClinVar:

ClinVar aggregate classification (germline): Uncertain significance (1 of 4 stars; one submission).

Conditions:
Cardiovascular phenotype. Identifiers: MedGen CN230736.

Submission:

Ambry Genetics
Classification: Uncertain significance for Cardiovascular phenotype. Last evaluated: 2025-04-02. Review status: criteria provided, single submitter. Criteria: Ambry Variant Classification Scheme 2023. Collection method: clinical testing. Allele origin: germline.
Comment: The p.Y301S variant (also known as c.902A>C), located in coding exon 7 of the ABCG5 gene, results from an A to C substitution at nucleotide position 902. The tyrosine at codon 301 is replaced by serine, an amino acid with dissimilar properties. This amino acid position is conserved. In addition, the in silico prediction for this alteration is inconclusive. Based on the available evidence, the clinical significance of this variant remains unclear.

NM_022436.3(ABCG5):c.902A>C (p.Tyr301Ser)

Genes: ABCG5 (ATP binding cassette subfamily G member 5; minus strand), DYNC2LI1 (dynein cytoplasmic 2 light intermediate chain 1; plus strand). Cytogenetic location: 2p21.
Variant type: single nucleotide variant.
Coding change: c.902A>C on transcript NM_022436.3 (MANE Select); coding-DNA position 902, A replaced by C.
Protein change: p.Tyr301Ser; replaces tyrosine 301 with serine.
Molecular consequence: missense variant. On other transcripts: intron variant (2).
Genome position (GRCh38, 1-based): chr2:43,824,891, T>G on the plus strand (A>C on the coding strand, the complement: ABCG5 is on the minus strand). VCF-style: chr2-43824891-T-G. GRCh37 (hg19) VCF-style: chr2-44052030-T-G.
Other names: c.*16-2495T>G (NM_001348913.2, NM_001348912.2); short protein forms Y301S.
Identifiers: ClinVar variation 3992531 (VCV003992531.1).